The following is an entry in ClinVar:

ClinVar aggregate classification (germline): Conflicting classifications of pathogenicity. Review status: criteria provided, conflicting classifications (1 of 4 stars). 6 submissions from 6 submitters: Uncertain significance (3); Likely benign (1). 2 of the submissions do not count toward it. Last evaluated 2025-03-22.

Conditions:
Hereditary cancer-predisposing syndrome. Also called: Hereditary Cancer Syndrome; Neoplastic Syndromes, Hereditary; Hereditary neoplastic syndrome; Tumor predisposition. Identifiers: Orphanet 140162, MedGen C0027672, MeSH D009386, MONDO:0015356.
Hereditary breast ovarian cancer syndrome. Also called: Breast and ovarian cancer; Hereditary breast and/or ovarian cancer syndrome; Hereditary breast and ovarian cancer; Hereditary breast and ovarian cancer syndrome; Hereditary breast and ovarian cancer syndrome (HBOC); BRCA1- and BRCA2-Associated Hereditary Breast and Ovarian Cancer. Identifiers: Orphanet 145, MedGen C0677776, MeSH D061325, MONDO:0003582. Disease mechanism: loss of function.
Breast-ovarian cancer, familial, susceptibility to, 2 (BROVCA2). Also called: BRCA2 Hereditary Breast and Ovarian Cancer. Identifiers: Orphanet 145, MedGen C2675520, MONDO:0012933, OMIM 612555. Disease mechanism: loss of function.

Allele frequency attached by ClinVar (database versions not stated): gnomAD 0.00001.
gnomAD v4.1: 1 of 1,613,968 alleles (0.000062%); highest among the groups gnomAD compares: African/African-American, 0.0013%; no homozygotes.

Submissions (6):

Ambry Genetics
Classification: Uncertain significance for Hereditary cancer-predisposing syndrome. Last evaluated: 2025-03-22. Review status: criteria provided, single submitter. Criteria: Ambry Variant Classification Scheme 2023. Collection method: clinical testing. Allele origin: germline.
Comment: The p.K725E variant (also known as c.2173A>G), located in coding exon 10 of the BRCA2 gene, results from an A to G substitution at nucleotide position 2173. The lysine at codon 725 is replaced by glutamic acid, an amino acid with similar properties. This amino acid position is poorly conserved in available vertebrate species. In addition, this alteration is predicted to be tolerated by in silico analysis. Since supporting evidence is limited at this time, the clinical significance of this alteration remains unclear.

Labcorp Genetics (formerly Invitae), Labcorp
Classification: Uncertain significance for Hereditary breast ovarian cancer syndrome. Last evaluated: 2024-09-03. Review status: criteria provided, single submitter. Criteria: Invitae Variant Classification Sherloc (09022015). Collection method: clinical testing. Allele origin: germline.
Comment: This sequence change replaces lysine, which is basic and polar, with glutamic acid, which is acidic and polar, at codon 725 of the BRCA2 protein (p.Lys725Glu). This variant is not present in population databases (gnomAD no frequency). This variant has not been reported in the literature in individuals affected with BRCA2-related conditions. ClinVar contains an entry for this variant (Variation ID: 96778). Invitae Evidence Modeling of protein sequence and biophysical properties (such as structural, functional, and spatial information, amino acid conservation, physicochemical variation, residue mobility, and thermodynamic stability) indicates that this missense variant is not expected to disrupt BRCA2 protein function with a negative predictive value of 95%. In summary, the available evidence is currently insufficient to determine the role of this variant in disease. Therefore, it has been classified as a Variant of Uncertain Significance.

University of Washington Department of Laboratory Medicine, University of Washington
Classification: Likely benign for Hereditary cancer-predisposing syndrome. Last evaluated: 2023-03-23. Review status: criteria provided, single submitter. Criteria: Dines et al. (Genet Med. 2020). Collection method: curation. Allele origin: germline.
Comment: Missense variant in a coldspot region where missense variants are very unlikely to be pathogenic (PMID:31911673).

BRCA2 exon 11 coldspot. Reclassification based on statistical prior probability.

Women's Health and Genetics/Laboratory Corporation of America, LabCorp
Classification: Uncertain significance. Last evaluated: 2020-03-31. Review status: criteria provided, single submitter. Criteria: LabCorp Variant Classification Summary - May 2015. Collection method: clinical testing. Allele origin: germline.
Comment: Variant summary: BRCA2 c.2173A>G (p.Lys725Glu) results in a conservative amino acid change in the encoded protein sequence. Five of five in-silico tools predict a benign effect of the variant on protein function. The variant was absent in 251234 control chromosomes (gnomAD). The available data on variant occurrences in the general population are insufficient to allow any conclusion about variant significance. To our knowledge, no occurrence of c.2173A>G in individuals affected with Hereditary Breast and Ovarian Cancer and no experimental evidence demonstrating its impact on protein function have been reported. Two ClinVar submitters (evaluation after 2014) cite the variant as uncertain significance. Based on the evidence outlined above, the variant was classified as uncertain significance.

Counsyl
Classification: Uncertain significance for Breast-ovarian cancer, familial, susceptibility to, 2. Last evaluated: 2017-11-15. Review status: no assertion criteria provided. Collection method: clinical testing. Allele origin: unknown. Not counted in ClinVar's aggregate classification.

Sharing Clinical Reports Project (SCRP)
Classification: Uncertain significance for Breast-ovarian cancer, familial 2. Last evaluated: 2012-03-29. Review status: no assertion criteria provided. Collection method: clinical testing. Allele origin: germline. Not counted in ClinVar's aggregate classification.

NM_000059.4(BRCA2):c.2173A>G (p.Lys725Glu)

Gene: BRCA2 (BRCA2 DNA repair associated; plus strand). Cytogenetic location: 13q13.1.
Variant type: single nucleotide variant.
Coding change: c.2173A>G on transcript NM_000059.4 (MANE Select); coding-DNA position 2173, A replaced by G.
Protein change: p.Lys725Glu; replaces lysine 725 with glutamic acid.
Molecular consequence: missense variant.
Genome position (GRCh38, 1-based): chr13:32,336,528, A>G. VCF-style: chr13-32336528-A-G. GRCh37 (hg19) VCF-style: chr13-32910665-A-G.
Other names: 2401A>G; short protein forms K725E.
Identifiers: ClinVar variation 96778 (VCV000096778.17), dbSNP rs431825294, ClinGen allele CA014510.